The following is an entry in ClinVar:

ClinVar aggregate classification (germline): Uncertain significance. Review status: criteria provided, multiple submitters, no conflicts (2 of 4 stars). 3 submissions from 3 submitters: Uncertain significance (3). Last evaluated 2026-01-12.

Conditions:
Hereditary cancer-predisposing syndrome. Also called: Neoplastic Syndromes, Hereditary; Hereditary neoplastic syndrome; Hereditary Cancer Syndrome; Tumor predisposition. Identifiers: Orphanet 140162, MedGen C0027672, MeSH D009386, MONDO:0015356.
POLD1-related polyposis and colorectal cancer syndrome (CRCS10). Also called: Colorectal cancer, susceptibility to, 10; Colorectal cancer 10; COLORECTAL CANCER, SUSCEPTIBILITY TO, ON CHROMOSOME 19q. Identifiers: Orphanet 220460, MedGen C2675481, MONDO:0012953, OMIM 612591.

Allele frequency attached by ClinVar (database versions not stated): TOPMed 0.00001.
gnomAD v4.1: 19 of 1,561,334 alleles (0.0012%); highest among the groups gnomAD compares: Non-Finnish European, 0.0016%; no homozygotes.

Submissions (3):

Labcorp Genetics (formerly Invitae), Labcorp
Classification: Uncertain significance for POLD1-related polyposis and colorectal cancer syndrome. Last evaluated: 2026-01-12. Review status: criteria provided, single submitter. Criteria: Invitae Variant Classification Sherloc (09022015). Collection method: clinical testing. Allele origin: germline.
Comment: This sequence change replaces aspartic acid, which is acidic and polar, with tyrosine, which is neutral and polar, at codon 987 of the POLD1 protein (p.Asp987Tyr). The frequency data for this variant in the population databases is considered unreliable, as metrics indicate poor data quality at this position in the gnomAD database. This variant has not been reported in the literature in individuals affected with POLD1-related conditions. ClinVar contains an entry for this variant (Variation ID: 408081). Invitae Evidence Modeling of protein sequence and biophysical properties (such as structural, functional, and spatial information, amino acid conservation, physicochemical variation, residue mobility, and thermodynamic stability) has been performed for this missense variant. However, the output from this modeling did not meet the statistical confidence thresholds required to predict the impact of this variant on POLD1 protein function. RNA analysis performed to evaluate the impact of this missense change on mRNA splicing indicates it does not significantly alter splicing (internal data). In summary, the available evidence is currently insufficient to determine the role of this variant in disease. Therefore, it has been classified as a Variant of Uncertain Significance.

Ambry Genetics
Classification: Uncertain significance for Hereditary cancer-predisposing syndrome. Last evaluated: 2025-11-11. Review status: criteria provided, single submitter. Criteria: Ambry Variant Classification Scheme 2023. Collection method: clinical testing. Allele origin: germline.
Comment: The p.D987Y variant (also known as c.2959G>T), located in coding exon 23 of the POLD1 gene, results from a G to T substitution at nucleotide position 2959. The aspartic acid at codon 987 is replaced by tyrosine, an amino acid with highly dissimilar properties. This amino acid position is conserved. In addition, this alteration is predicted to be tolerated by in silico analysis. Since supporting evidence is limited at this time, the clinical significance of this alteration remains unclear.

GeneDx
Classification: Uncertain significance. Last evaluated: 2023-05-30. Review status: criteria provided, single submitter. Criteria: GeneDx Variant Classification Process June 2021. Collection method: clinical testing. Allele origin: germline. Affected: yes.
Comment: Not observed at significant frequency in large population cohorts (gnomAD); In silico analysis supports that this missense variant has a deleterious effect on protein structure/function; Has not been previously published as pathogenic or benign to our knowledge

NM_002691.4(POLD1):c.2959G>T (p.Asp987Tyr)

Gene: POLD1 (DNA polymerase delta 1, catalytic subunit; plus strand). Cytogenetic location: 19q13.33.
Variant type: single nucleotide variant.
Coding change: c.2959G>T on transcript NM_002691.4 (MANE Select); coding-DNA position 2959, G replaced by T.
Protein change: p.Asp987Tyr; replaces aspartic acid 987 with tyrosine.
Molecular consequence: missense variant. On other transcripts: non-coding transcript variant (1).
Genome position (GRCh38, 1-based): chr19:50,416,615, G>T. VCF-style: chr19-50416615-G-T. GRCh37 (hg19) VCF-style: chr19-50919872-G-T.
Other names: c.2959G>T, p.Asp987Tyr (NM_001256849.1); c.3037G>T, p.Asp1013Tyr (NM_001308632.1); short protein forms D987Y, D1013Y.
Identifiers: ClinVar variation 408081 (VCV000408081.16), dbSNP rs985679759, ClinGen allele CA16616411.